The following is an entry in ClinVar:

ClinVar aggregate classification (germline): Likely pathogenic (1 of 4 stars; one submission).

Conditions:
Citrullinemia. Identifiers: Orphanet 187, MedGen C0175683, MONDO:0015991.

Submission:

Natera, Inc.
Classification: Likely pathogenic for Citrullinemia. Last evaluated: 2025-10-17. Review status: criteria provided, single submitter. Criteria: Natera Variant Classification Schema (03/2026). Collection method: clinical testing. Allele origin: germline.
Comment: The c.1A>G variant in SLC25A13 is predicted to result in start loss due to disruption of the initiator methionine. This variant is expected to result in nonsense mediated decay, truncation, or a dysfunctional protein product. This variant is rare in the general population with a frequency below the threshold expected for the associated phenotype(s). Given the available evidence, this variant is classified as Likely Pathogenic.

NM_014251.3(SLC25A13):c.1A>G (p.Met1Val)

Genes: SLC25A13 (solute carrier family 25 member 13; minus strand), LOC129998833 (ATAC-STARR-seq lymphoblastoid silent region 18384; plus strand). Cytogenetic location: 7q21.3.
Variant type: single nucleotide variant.
Coding change: c.1A>G on transcript NM_014251.3 (MANE Select); coding-DNA position 1, A replaced by G.
Protein change: p.Met1Val; changes the start codon (methionine 1).
Molecular consequence: missense variant, initiator codon variant. On other transcripts: non-coding transcript variant (1).
Genome position (GRCh38, 1-based): chr7:96,321,956, T>C on the plus strand (A>G on the coding strand, the complement: SLC25A13 is on the minus strand). VCF-style: chr7-96321956-T-C. GRCh37 (hg19) VCF-style: chr7-95951268-T-C.
Other names: c.1A>G, p.Met1Val (NM_001160210.2); short protein forms M1V.
Identifiers: ClinVar variation 4815636 (VCV004815636.1).